The following is an entry in ClinVar:

NM_138694.4(PKHD1):c.6771T>G (p.Asn2257Lys)

Gene: PKHD1 (PKHD1 ciliary IPT domain containing fibrocystin/polyductin; minus strand). Cytogenetic location: 6p12.2.
Variant type: single nucleotide variant.
Coding change: c.6771T>G on transcript NM_138694.4 (MANE Select); coding-DNA position 6771, T replaced by G.
Protein change: p.Asn2257Lys; replaces asparagine 2257 with lysine.
Molecular consequence: missense variant.
Genome position (GRCh38, 1-based): chr6:51,906,252, A>C on the plus strand (T>G on the coding strand, the complement: PKHD1 is on the minus strand). VCF-style: chr6-51906252-A-C. GRCh37 (hg19) VCF-style: chr6-51771050-A-C.
Other names: c.6771T>G, p.Asn2257Lys (NM_170724.3); short protein forms N2257K.
Identifiers: ClinVar variation 949069 (VCV000949069.11), dbSNP rs1315333212, ClinGen allele CA364432528.
Genomic context (GRCh38, chr6:51,906,252, plus strand): 5'-TTCAACAAGCTTGTTTTACTTACCAACTAGCAGCGCATGACCTAAAATATTGTAGAATAC[A>C]TTACTGTCCACCTTCAGGCCCAAGGTCCCGCACATGCTGAGGCCTCTACTGAAGGAGTTC-3'
Protein context (NP_619639.3, residues 2247-2267): CGTLGLKVDS[Asn2257Lys]VFYNILGHAL

ClinVar aggregate classification (germline): Uncertain significance. Review status: criteria provided, multiple submitters, no conflicts (2 of 4 stars). 2 submissions from 2 submitters: Uncertain significance (2). Last evaluated 2022-08-30.

Conditions:
Autosomal recessive polycystic kidney disease (ARPKD). Also called: AR polycystic kidney disease. Identifiers: Orphanet 731, Orphanet 8378, MedGen C0085548, MeSH D017044, MONDO:0009889.

Submissions (2):

GeneDx
Classification: Uncertain significance. Last evaluated: 2022-08-30. Review status: criteria provided, single submitter. Criteria: GeneDx Variant Classification Process June 2021. Collection method: clinical testing. Allele origin: germline. Affected: yes.
Comment: Not observed at significant frequency in large population cohorts (gnomAD); In silico analysis supports that this missense variant has a deleterious effect on protein structure/function; In silico analysis suggests this variant may impact gene splicing. In the absence of RNA/functional studies, the actual effect of this sequence change is unknown.; This variant is associated with the following publications: (PMID: 33611337)

Labcorp Genetics (formerly Invitae), Labcorp
Classification: Uncertain significance for Autosomal recessive polycystic kidney disease. Last evaluated: 2019-07-06. Review status: criteria provided, single submitter. Criteria: Invitae Variant Classification Sherloc (09022015). Collection method: clinical testing. Allele origin: germline.
Comment: This variant is not present in population databases (ExAC no frequency). This variant has not been reported in the literature in individuals with PKHD1-related conditions. Algorithms developed to predict the effect of missense changes on protein structure and function are either unavailable or do not agree on the potential impact of this missense change (SIFT: "Deleterious"; PolyPhen-2: "Probably Damaging"; Align-GVGD: "Class C0"). In summary, the available evidence is currently insufficient to determine the role of this variant in disease. Therefore, it has been classified as a Variant of Uncertain Significance. This sequence change replaces asparagine with lysine at codon 2257 of the PKHD1 protein (p.Asn2257Lys). The asparagine residue is moderately conserved and there is a moderate physicochemical difference between asparagine and lysine.